The following is an entry in ClinVar:

NM_001276270.2(MBD4):c.773T>G (p.Val258Gly)

Gene: MBD4 (methyl-CpG binding domain 4, DNA glycosylase; minus strand). Cytogenetic location: 3q21.3.
Variant type: single nucleotide variant.
Coding change: c.773T>G on transcript NM_001276270.2 (MANE Select); coding-DNA position 773, T replaced by G.
Protein change: p.Val258Gly; replaces valine 258 with glycine.
Molecular consequence: missense variant. On other transcripts: intron variant (1).
Genome position (GRCh38, 1-based): chr3:129,436,871, A>C on the plus strand (T>G on the coding strand, the complement: MBD4 is on the minus strand). VCF-style: chr3-129436871-A-C. GRCh37 (hg19) VCF-style: chr3-129155714-A-C.
Other names: c.773T>G, p.Val258Gly (NM_001276271.2, NM_001276272.2, NM_003925.3); c.247+937T>G (NM_001276273.2); short protein forms V258G.
Identifiers: ClinVar variation 2705201 (VCV002705201.3), dbSNP rs2530720884, ClinGen allele CA354467288.

ClinVar aggregate classification (germline): Uncertain significance (1 of 4 stars; one submission).

Submission:

Labcorp Genetics (formerly Invitae), Labcorp
Classification: Uncertain significance. Last evaluated: 2023-12-24. Review status: criteria provided, single submitter. Criteria: Invitae Variant Classification Sherloc (09022015). Collection method: clinical testing. Allele origin: germline.
Comment: This sequence change replaces valine, which is neutral and non-polar, with glycine, which is neutral and non-polar, at codon 258 of the MBD4 protein (p.Val258Gly). This variant is not present in population databases (gnomAD no frequency). This variant has not been reported in the literature in individuals affected with MBD4-related conditions. An algorithm developed to predict the effect of missense changes on protein structure and function (PolyPhen-2) suggests that this variant is likely to be tolerated. In summary, the available evidence is currently insufficient to determine the role of this variant in disease. Therefore, it has been classified as a Variant of Uncertain Significance.